The following is an entry in ClinVar:

ClinVar aggregate classification (germline): Pathogenic (1 of 4 stars; one submission).

Conditions:
Duchenne muscular dystrophy (DMD). Also called: MUSCULAR DYSTROPHY, PSEUDOHYPERTROPHIC PROGRESSIVE, DUCHENNE TYPE; Duchenne Muscular Dystrophy (DMD). Identifiers: Orphanet 98896, MedGen C0013264, MONDO:0010679, OMIM 310200.

Submission:

Labcorp Genetics (formerly Invitae), Labcorp
Classification: Pathogenic for Duchenne muscular dystrophy. Last evaluated: 2019-09-19. Review status: criteria provided, single submitter. Criteria: Invitae Variant Classification Sherloc (09022015). Collection method: clinical testing. Allele origin: germline.
Comment: This sequence change creates a premature translational stop signal (p.Leu108Serfs*30) in the DMD gene. It is expected to result in an absent or disrupted protein product. This variant is not present in population databases (ExAC no frequency). For these reasons, this variant has been classified as Pathogenic. Loss-of-function variants in DMD are known to be pathogenic (PMID: 16770791, 25007885). This variant has not been reported in the literature in individuals with DMD-related conditions.

Literature cited by the submitters: PubMed 16770791; PubMed 25007885.

NM_004006.3(DMD):c.321dup (p.Leu108fs)

Gene: DMD (dystrophin; minus strand). Cytogenetic location: Xp21.1.
Variant type: Duplication.
Coding change: c.321dup on transcript NM_004006.3 (MANE Select); coding-DNA position 321, one base duplicated (T; older notation c.321dupT).
Protein change: p.Leu108fs; shifts the reading frame from leucine 108.
Molecular consequence: frameshift variant. On other transcripts: 5 prime UTR variant (1).
Genome position (GRCh38, 1-based): chrX:32,823,331, A duplicated on the plus strand (T on the coding strand, the reverse complement: DMD is on the minus strand). VCF-style (leftmost placement, unchanged base first): chrX-32823330-G-GA. GRCh37 (hg19) VCF-style: chrX-32841447-G-GA.
Other names: c.297dup, p.Leu100fs (NM_000109.4); c.309dup, p.Leu104fs (NM_004009.3); c.-49dup (NM_004010.3); short protein forms L104fs, L108fs, L100fs.
Identifiers: ClinVar variation 947553 (VCV000947553.8), dbSNP rs2078432433, ClinGen allele CA1139667395.